The following is an entry in ClinVar:

ClinVar aggregate classification (germline): Pathogenic (1 of 4 stars; one submission).

Submission:

Labcorp Genetics (formerly Invitae), Labcorp
Classification: Pathogenic. Last evaluated: 2025-07-10. Review status: criteria provided, single submitter. Criteria: Invitae Variant Classification Sherloc (09022015). Collection method: clinical testing. Allele origin: germline.
Comment: This sequence change affects an acceptor splice site in intron 8 of the LOXHD1 gene. It is expected to disrupt RNA splicing. Variants that disrupt the donor or acceptor splice site typically lead to a loss of protein function (PMID: 16199547), and loss-of-function variants in LOXHD1 are known to be pathogenic (PMID: 19732867, 21465660, 25792669). This variant is not present in population databases (gnomAD no frequency). Disruption of this splice site has been observed in individual(s) with bilateral sensorineural hearing loss (internal data). In at least one individual the data is consistent with being in trans (on the opposite chromosome) from a pathogenic variant. ClinVar contains an entry for this variant (Variation ID: 2828264). Algorithms developed to predict the effect of sequence changes on RNA splicing suggest that this variant may disrupt the consensus splice site. For these reasons, this variant has been classified as Pathogenic.

Literature cited by the submitters: PubMed 16199547; PubMed 19732867; PubMed 21465660; PubMed 25792669.

NM_001384474.1(LOXHD1):c.1135-1G>A

Gene: LOXHD1 (lipoxygenase homology PLAT domains 1; minus strand). Cytogenetic location: 18q21.1.
Variant type: single nucleotide variant.
Coding change: c.1135-1G>A on transcript NM_001384474.1 (MANE Select); the canonical splice acceptor site of the intron before coding-DNA position 1135, G replaced by A.
Molecular consequence: splice acceptor variant.
Genome position (GRCh38, 1-based): chr18:46,594,467, C>T on the plus strand (G>A on the coding strand, the complement: LOXHD1 is on the minus strand). VCF-style: chr18-46594467-C-T. GRCh37 (hg19) VCF-style: chr18-44174430-C-T.
Other names: c.1135-1G>A (NM_144612.7).
Identifiers: ClinVar variation 2828264 (VCV002828264.3), dbSNP rs2144247310, ClinGen allele CA402381224.